The following is an entry in ClinVar:

ClinVar aggregate classification (germline): Likely pathogenic (1 of 4 stars; one submission).

Conditions:
Rubinstein-Taybi syndrome due to CREBBP mutations (RSTS1). Also called: RUBINSTEIN-TAYBI SYNDROME 1, INCOMPLETE; RUBINSTEIN SYNDROME; Rubinstein-Taybi syndrome 1; CREBBP-Related Rubinstein-Taybi Syndrome; BROAD THUMB-HALLUX SYNDROME; BROAD THUMBS AND GREAT TOES, CHARACTERISTIC FACIES, AND IMPAIRED INTELLECTUAL DEVELOPMENT. Identifiers: Orphanet 353277, Orphanet 783, MedGen C4551859, MONDO:0008393, OMIM 180849.

Submission:

3billion
Classification: Likely pathogenic for Rubinstein-Taybi syndrome due to CREBBP mutations. Last evaluated: 2025-11-24. Review status: criteria provided, single submitter. Criteria: ACMG Guidelines, 2015. Collection method: clinical testing. Allele origin: germline. Affected: yes.
Comment: The variant is not observed in the gnomAD v4.1.0 dataset. Predicted Consequence/Location: Frameshift: predicted to result in a loss or disruption of normal protein function through nonsense-mediated decay (NMD) or protein truncation. Multiple pathogenic variants are reported downstream of the variant. Therefore, this variant is classified as Likely pathogenic according to the recommendation of ACMG/AMP guideline.

NM_004380.3(CREBBP):c.2720_2726dup (p.Thr910fs)

Gene: CREBBP (CREB binding lysine acetyltransferase; minus strand). Cytogenetic location: 16p13.3.
Variant type: Duplication.
Coding change: c.2720_2726dup on transcript NM_004380.3 (MANE Select); coding-DNA positions 2720 to 2726, 7 bases duplicated (CCAGTGC; older notation c.2720_2726dupCCAGTGC).
Protein change: p.Thr910fs; shifts the reading frame from threonine 910.
Molecular consequence: frameshift variant.
Genome position (GRCh38, 1-based): chr16:3,770,724-3,770,730, GCACTGG duplicated on the plus strand (CCAGTGC on the coding strand, the reverse complement: CREBBP is on the minus strand); duplicating any 7 consecutive bases within chr16:3,770,724-3,770,736 gives the same sequence; the c. name uses the placement nearest the transcript's 3' end. VCF-style (leftmost placement, unchanged base first): chr16-3770723-A-AGCACTGG. GRCh37 (hg19) VCF-style: chr16-3820724-A-AGCACTGG.
Other names: c.2606_2612dup, p.Thr872fs (NM_001079846.1); short protein forms T872fs, T910fs.
Identifiers: ClinVar variation 4855895 (VCV004855895.1).